The following is an entry in ClinVar:

ClinVar aggregate classification (germline): Uncertain significance. Review status: criteria provided, multiple submitters, no conflicts (2 of 4 stars). 3 submissions from 3 submitters: Uncertain significance (3). Last evaluated 2026-08-08.

Conditions:
Cardiovascular phenotype. Identifiers: MedGen CN230736.
RASopathy. Also called: rasopathies; Noonan spectrum disorder. Identifiers: Orphanet 536391, MedGen C5555857, MONDO:0021060.

Submissions (3):

Ambry Genetics
Classification: Uncertain significance for Cardiovascular phenotype. Last evaluated: 2026-08-08. Review status: criteria provided, single submitter. Criteria: Ambry Variant Classification Scheme 2023. Collection method: clinical testing. Allele origin: germline.
Comment: The p.F33Y variant (also known as c.98T>A), located in coding exon 1 of the CBL gene, results from a T to A substitution at nucleotide position 98. The phenylalanine at codon 33 is replaced by tyrosine, an amino acid with highly similar properties. This amino acid position is conserved. In addition, this alteration is predicted to be tolerated by in silico analysis. Based on the available evidence, the clinical significance of this variant remains unclear.

GeneDx
Classification: Uncertain significance. Last evaluated: 2025-06-13. Review status: criteria provided, single submitter. Criteria: GeneDx Variant Classification Process June 2021. Collection method: clinical testing. Allele origin: germline. Affected: yes.
Comment: Not observed at significant frequency in large population cohorts (gnomAD); In silico analysis suggests that this missense variant does not alter protein structure/function; Has not been previously published as pathogenic or benign to our knowledge

Labcorp Genetics (formerly Invitae), Labcorp
Classification: Uncertain significance for RASopathy. Last evaluated: 2025-03-09. Review status: criteria provided, single submitter. Criteria: Invitae Variant Classification Sherloc (09022015). Collection method: clinical testing. Allele origin: germline.
Comment: This sequence change replaces phenylalanine, which is neutral and non-polar, with tyrosine, which is neutral and polar, at codon 33 of the CBL protein (p.Phe33Tyr). This variant is not present in population databases (gnomAD no frequency). This variant has not been reported in the literature in individuals affected with CBL-related conditions. ClinVar contains an entry for this variant (Variation ID: 1470114). Invitae Evidence Modeling of protein sequence and biophysical properties (such as structural, functional, and spatial information, amino acid conservation, physicochemical variation, residue mobility, and thermodynamic stability) indicates that this missense variant is not expected to disrupt CBL protein function with a negative predictive value of 95%. In summary, the available evidence is currently insufficient to determine the role of this variant in disease. Therefore, it has been classified as a Variant of Uncertain Significance.

NM_005188.4(CBL):c.98T>A (p.Phe33Tyr)

Genes: CBL (Cbl proto-oncogene; plus strand), LOC130006895 (ATAC-STARR-seq lymphoblastoid silent region 3975; plus strand). Cytogenetic location: 11q23.3.
Variant type: single nucleotide variant.
Coding change: c.98T>A on transcript NM_005188.4 (MANE Select); coding-DNA position 98, T replaced by A.
Protein change: p.Phe33Tyr; replaces phenylalanine 33 with tyrosine.
Molecular consequence: missense variant.
Genome position (GRCh38, 1-based): chr11:119,206,515, T>A. VCF-style: chr11-119206515-T-A. GRCh37 (hg19) VCF-style: chr11-119077225-T-A.
Other names: c.98T>A (NM_005188.2); short protein forms F33Y.
Identifiers: ClinVar variation 1470114 (VCV001470114.8), dbSNP rs987225083, ClinGen allele CA382976113.
Genomic context (GRCh38, chr11:119,206,515, plus strand): 5'-GCGGCAGCGGCTCCGGGGGCTCGGGTTCGGGTGGCCTGATTGGGCTCATGAAGGACGCCT[T>A]CCAGCCGCACCACCACCACCACCACCACCTCAGCCCCCACCCGCCGGGGACGGTGGACAA-3'
Protein context (NP_005179.2, residues 23-43): GGLIGLMKDA[Phe33Tyr]QPHHHHHHHL